The following is an entry in ClinVar:

ClinVar aggregate classification (germline): Likely benign. Review status: criteria provided, multiple submitters, no conflicts (2 of 4 stars). 4 submissions from 4 submitters: Likely benign (4). Last evaluated 2023-11-02.

Conditions:
Hereditary cancer-predisposing syndrome. Also called: Neoplastic Syndromes, Hereditary; Tumor predisposition; Hereditary Cancer Syndrome; Hereditary neoplastic syndrome. Identifiers: Orphanet 140162, MedGen C0027672, MeSH D009386, MONDO:0015356.
Familial adenomatous polyposis 2. Also called: Adenomas, multiple colorectal; MUTYH Polyposis; COLORECTAL ADENOMATOUS POLYPOSIS, AUTOSOMAL RECESSIVE; ADENOMAS, MULTIPLE COLORECTAL, AUTOSOMAL RECESSIVE; MUTYH-associated polyposis; MUTYH-related attenuated familial adenomatous polyposis. Identifiers: Orphanet 220460, Orphanet 247798, MedGen C3272841, MONDO:0012041, OMIM 608456.

gnomAD v4.1: 8 of 1,614,180 alleles (0.0005%); highest among the groups gnomAD compares: African/African-American, 0.0013%; no homozygotes.

Submissions (4):

All of Us Research Program, National Institutes of Health
Classification: Likely benign for Familial adenomatous polyposis 2. Last evaluated: 2023-11-02. Review status: criteria provided, single submitter. Criteria: ACMG Guidelines, 2015. Collection method: clinical testing. Allele origin: germline. Inheritance: Autosomal recessive inheritance. Observed: 1 variant allele, 1 heterozygote.
Comment: This study involves interpretation of variants in research participants for the purpose of population health screening. Participant phenotype was not available at the time of variant classification. Additional details can be found in publication PMID: 35346344, PMCID: PMC8962531

Labcorp Genetics (formerly Invitae), Labcorp
Classification: Likely benign for Familial adenomatous polyposis 2. Last evaluated: 2023-06-27. Review status: criteria provided, single submitter. Criteria: Invitae Variant Classification Sherloc (09022015). Collection method: clinical testing. Allele origin: germline.

Ambry Genetics
Classification: Likely benign for Hereditary cancer-predisposing syndrome. Last evaluated: 2022-07-01. Review status: criteria provided, single submitter. Criteria: Ambry Variant Classification Scheme 2023. Collection method: clinical testing. Allele origin: germline.

Color Diagnostics, LLC DBA Color Health
Classification: Likely benign for Hereditary cancer-predisposing syndrome. Last evaluated: 2019-06-25. Review status: criteria provided, single submitter. Criteria: ACMG Guidelines, 2015. Collection method: clinical testing. Allele origin: germline.

NM_001048174.2(MUTYH):c.1380C>G (p.Thr460=)

Gene: MUTYH (mutY DNA glycosylase; minus strand). Cytogenetic location: 1p34.1.
Variant type: single nucleotide variant.
Coding change: c.1380C>G on transcript NM_001048174.2 (MANE Select); coding-DNA position 1380, C replaced by G.
Protein change: p.Thr460=; no amino-acid change (threonine 460 retained).
Molecular consequence: synonymous variant. On other transcripts: non-coding transcript variant (2).
Genome position (GRCh38, 1-based): chr1:45,331,194, G>C on the plus strand (C>G on the coding strand, the complement: MUTYH is on the minus strand). VCF-style: chr1-45331194-G-C. GRCh37 (hg19) VCF-style: chr1-45796866-G-C.
Other names: c.1380C>G, p.Thr460= (NM_001048171.2, NM_001048173.2, NM_001293195.2); c.1383C>G, p.Thr461= (NM_001048172.2); c.1464C>G, p.Thr488= (NM_001128425.2); c.1425C>G, p.Thr475= (NM_001293190.2); c.1413C>G, p.Thr471= (NM_001293191.2); c.1104C>G, p.Thr368= (NM_001293192.2, NM_001293196.2); c.1035C>G, p.Thr345= (NM_001350650.2, NM_001350651.2); c.1455C>G, p.Thr485= (NM_012222.3).
Identifiers: ClinVar variation 921501 (VCV000921501.14), dbSNP rs373973053, ClinGen allele CA417702041.